The following is an entry in ClinVar:

NM_003242.6(TGFBR2):c.569G>A (p.Arg190His)

Gene: TGFBR2 (transforming growth factor beta receptor 2; plus strand). Cytogenetic location: 3p24.1.
Variant type: single nucleotide variant.
Coding change: c.569G>A on transcript NM_003242.6 (MANE Select); coding-DNA position 569, G replaced by A.
Protein change: p.Arg190His; replaces arginine 190 with histidine.
Molecular consequence: missense variant.
Genome position (GRCh38, 1-based): chr3:30,671,752, G>A. VCF-style: chr3-30671752-G-A. GRCh37 (hg19) VCF-style: chr3-30713244-G-A.
Other names: c.644G>A, p.Arg215His (NM_001024847.3); c.752G>A, p.Arg251His (NM_001407126.1); c.677G>A, p.Arg226His (NM_001407127.1); c.596G>A, p.Arg199His (NM_001407128.1); c.572G>A, p.Arg191His (NM_001407129.1); c.569G>A, p.Arg190His (NM_001407130.1); c.464G>A, p.Arg155His (NM_001407132.1, NM_001407133.1, NM_001407134.1 and 2 more transcripts); c.284G>A, p.Arg95His (NM_001407137.1); and 1 more; short protein forms R190H, R215H, R251H, R226H, R70H, R191H, R95H, R155H.
Identifiers: ClinVar variation 403531 (VCV000403531.38), dbSNP rs780542125, ClinGen allele CA049279.

ClinVar aggregate classification (germline): Conflicting classifications of pathogenicity. Review status: criteria provided, conflicting classifications (1 of 4 stars). 15 submissions from 15 submitters: Uncertain significance (14); Likely benign (1). Last evaluated 2026-05-03.

Conditions:
TGFBR2-related disorder. Also called: TGFBR2-related condition.
Loeys-Dietz syndrome 2 (LDS2). Also called: TGFBR2-Related Loeys-Dietz Syndrome; AORTIC ANEURYSM, FAMILIAL THORACIC 3; MARFAN SYNDROME, TYPE II; Marfan Syndrome type 2; Marfan like connective tissue disorder; MFS 2. Identifiers: Orphanet 284973, Orphanet 558, MedGen C2674574, MONDO:0012427, OMIM 610168.
Colorectal cancer, hereditary nonpolyposis, type 6. Also called: Colon cancer, hereditary nonpolyposis, type 6; Colon cancer, hereditary nonpolyposis, type 6, somatic. Identifiers: Orphanet 144, MedGen C1860896, MONDO:0013695, OMIM 614331.
Malignant tumor of esophagus. Also called: Esophageal cancer; Esophageal cancer, somatic. Identifiers: Orphanet 99977, MedGen C0546837, MONDO:0007576, OMIM 133239.
Familial thoracic aortic aneurysm and aortic dissection (TAAD). Also called: Thoracic aortic aneurysms and dissections. Identifiers: Orphanet 91387, MedGen C4707243, MONDO:0019625.

Allele frequency attached by ClinVar (database versions not stated): gnomAD 0.00003; gnomAD exomes 0.00005; TOPMed 0.00005; ExAC 0.00007.

Submissions (15):

PreventionGenetics, part of Exact Sciences
Classification: Uncertain significance for TGFBR2-related condition. Last evaluated: 2026-05-03. Review status: criteria provided, single submitter. Criteria: ACMG Guidelines, 2015. Collection method: clinical testing. Allele origin: germline.
Comment: The TGFBR2 c.569G>A variant is predicted to result in the amino acid substitution p.Arg190His. This variant has been reported in an individual with features suggestive of Marfan syndrome (Chung et al. 2009. PubMed ID: 19533785) and in another individual with aortic dissection (Table S3, Li et al. 2018. PubMed ID: 30341550). This variant has also been reported in an individual with sagittal craniosynostosis (Clarke et al. 2018. PubMed ID: 29168297). However, this variant is reported in 0.030% of alleles in individuals of East Asian descent in gnomAD and interpreted as uncertain in ClinVar (Variation ID: 403531). At this time, the clinical significance of this variant is uncertain due to the absence of conclusive functional and genetic evidence.

Color Diagnostics, LLC DBA Color Health
Classification: Uncertain significance for Familial thoracic aortic aneurysm and aortic dissection. Last evaluated: 2025-04-08. Review status: criteria provided, single submitter. Criteria: ACMG Guidelines, 2015. Collection method: clinical testing. Allele origin: germline.
Comment: This missense variant replaces arginine with histidine at codon 190 of the TGFBR2 protein. Computational prediction tool is inconclusive regarding the impact of this variant on protein structure and function. To our knowledge, functional studies have not been reported for this variant. This variant has been reported in an individual affected with sporadic aortic dissection (PMID: 30341550) and in an individual affected with Marfan syndrome (PMID: 19533785). It has also been reported in an individual affected with sagittal single suture craniosynostosis (PMID: 29168297). This variant has been identified in 14/282608 chromosomes in the general population by the Genome Aggregation Database (gnomAD). The available evidence is insufficient to determine the role of this variant in disease conclusively. Therefore, this variant is classified as a Variant of Uncertain Significance.

Ambry Genetics
Classification: Uncertain significance for Familial thoracic aortic aneurysm and aortic dissection. Last evaluated: 2025-02-24. Review status: criteria provided, single submitter. Criteria: Ambry Variant Classification Scheme 2023. Collection method: clinical testing. Allele origin: germline.
Comment: The p.R190H variant (also known as c.569G>A), located in coding exon 4 of the TGFBR2 gene, results from a G to A substitution at nucleotide position 569. The arginine at codon 190 is replaced by histidine, an amino acid with highly similar properties. This variant has been detected in an individual with skeletal involvement who did not meet Ghent criteria (Chung BH et al. Am J Med Genet A, 2009 Jul;149A:1452-9), and has also been detected in an individual with craniosynostosis and an individual with aortic dissection; however, additional clinical details were limited (Clarke CM et al. Am J Med Genet A, 2018 02;176:290-300; Li Z et al. Sci China Life Sci, 2018 12;61:1545-1553). This amino acid position is highly conserved in available vertebrate species. In addition, this alteration is predicted to be deleterious by in silico analysis. Since supporting evidence is limited at this time, the clinical significance of this alteration remains unclear.

Labcorp Genetics (formerly Invitae), Labcorp
Classification: Uncertain significance for Familial thoracic aortic aneurysm and aortic dissection. Last evaluated: 2024-11-29. Review status: criteria provided, single submitter. Criteria: Invitae Variant Classification Sherloc (09022015). Collection method: clinical testing. Allele origin: germline.
Comment: This sequence change replaces arginine, which is basic and polar, with histidine, which is basic and polar, at codon 190 of the TGFBR2 protein (p.Arg190His). The frequency data for this variant in the population databases is considered unreliable, as metrics indicate poor data quality at this position in the gnomAD database. This missense change has been observed in individual(s) with clinical features of TGFBR2-related conditions (PMID: 19533785, 29168297, 30341550). ClinVar contains an entry for this variant (Variation ID: 403531). Invitae Evidence Modeling of protein sequence and biophysical properties (such as structural, functional, and spatial information, amino acid conservation, physicochemical variation, residue mobility, and thermodynamic stability) has been performed for this missense variant. However, the output from this modeling did not meet the statistical confidence thresholds required to predict the impact of this variant on TGFBR2 protein function. In summary, the available evidence is currently insufficient to determine the role of this variant in disease. Therefore, it has been classified as a Variant of Uncertain Significance.

All of Us Research Program, National Institutes of Health
Classification: Uncertain significance for Loeys-Dietz syndrome 2. Last evaluated: 2024-07-29. Review status: criteria provided, single submitter. Criteria: ACMG Guidelines, 2015. Collection method: clinical testing. Allele origin: germline. Inheritance: Autosomal dominant inheritance. Observed: 14 variant alleles, 14 heterozygotes.
Comment: This missense variant replaces arginine with histidine at codon 190 of the TGFBR2 protein. Computational prediction tool is inconclusive regarding the impact of this variant on protein structure and function (internally defined REVEL score threshold 0.5 < inconclusive < 0.7, PMID: 27666373). To our knowledge, functional studies have not been reported for this variant. This variant has been reported in an individual affected with Marfan syndrome (PMID: 19533785) and an individual with sporadic case of aortic dissection (PMID: 30341550). This variant was also reported in one individual with sagittal single suture craniosynostosis (PMID: 29168297). This variant has been identified in 14/282608 chromosomes in the general population by the Genome Aggregation Database (gnomAD). The available evidence is insufficient to determine the role of this variant in disease conclusively. Therefore, this variant is classified as a Variant of Uncertain Significance.

This study involves interpretation of variants in research participants for the purpose of population health screening. Participant phenotype was not available at the time of variant classification. Additional details can be found in publication PMID: 35346344, PMCID: PMC8962531

Clinical Genetics and Genomics, Karolinska University Hospital
Classification: Uncertain significance. Last evaluated: 2024-01-26. Review status: criteria provided, single submitter. Criteria: ACMG Guidelines, 2015. Collection method: clinical testing. Allele origin: germline. Affected: yes. Observed: 3 variant alleles.

Blueprint Genetics
Classification: Likely benign. Last evaluated: 2023-08-28. Review status: criteria provided, single submitter. Criteria: ACMG Guidelines, 2015. Collection method: clinical testing. Allele origin: germline.

ARUP Laboratories, Molecular Genetics and Genomics, ARUP Laboratories
Classification: Uncertain significance. Last evaluated: 2023-04-19. Review status: criteria provided, single submitter. Criteria: ARUP Molecular Germline Variant Investigation Process 2024. Collection method: clinical testing. Allele origin: germline.
Comment: The TGFBR2 c.569G>A; p.Arg190His variant (rs780542125), is reported in the literature in an individual in a cohort of Marfan syndrome patients (Chung 2009), an individual with aortic dissection (Li 2018) and an individual with single suture craniosynostosis (Clarke 2018). This variant is reported in ClinVar (Variation ID: 403531). This variant is also found in the general population with an overall allele frequency of 0.005% (14/282608 alleles) in the Genome Aggregation Database. Computational analyses are uncertain whether this variant is neutral or deleterious (REVEL: 0.696). However, given the lack of clinical and functional data, the significance of this variant is uncertain at this time. References: Chung BH et al. Identification of novel FBN1 and TGFBR2 mutations in 65 probands with Marfan syndrome or Marfan-like phenotypes. Am J Med Genet A. 2009 Jul;149A(7):1452-9. PMID: 19533785. Clarke CM et al. Single suture craniosynostosis: Identification of rare variants in genes associated with syndromic forms. Am J Med Genet A. 2018 Feb;176(2):290-300. PMID: 29168297. Li Z et al. A targeted sequencing approach to find novel pathogenic genes associated with sporadic aortic dissection. Sci China Life Sci. 2018 Dec;61(12):1545-1553. PMID: 30341550.

CHEO Genetics Diagnostic Laboratory, Children's Hospital of Eastern Ontario
Classification: Uncertain significance for Familial thoracic aortic aneurysm and aortic dissection. Last evaluated: 2023-01-05. Review status: criteria provided, single submitter. Criteria: ACMG Guidelines, 2015. Collection method: clinical testing. Allele origin: germline.

MGZ Medical Genetics Center
Classification: Uncertain significance for Loeys-Dietz syndrome 2. Last evaluated: 2022-02-01. Review status: criteria provided, single submitter. Criteria: ACMG Guidelines, 2015. Collection method: clinical testing. Allele origin: germline. Affected: yes. Observed: 1 variant allele.
Comment: ACMG criteria applied: PM2_SUP

Department of Pathology and Laboratory Medicine, Sinai Health System
Classification: Uncertain significance for Malignant tumor of esophagus; Loeys-Dietz syndrome 2; Colorectal cancer, hereditary nonpolyposis, type 6. Last evaluated: 2021-08-17. Review status: criteria provided, single submitter. Criteria: ACMG Guidelines, 2015. Collection method: research. Allele origin: germline.

GeneDx
Classification: Uncertain significance. Last evaluated: 2020-01-19. Review status: criteria provided, single submitter. Criteria: GeneDx Variant Classification Process June 2021. Collection method: clinical testing. Allele origin: germline. Affected: yes.
Comment: Identified in an individual with isolated sagittal single suture craniosynostosis, but familial segregation data and further clinical information were not provided (Clarke et al., 2018); In silico analysis, which includes protein predictors and evolutionary conservation, supports a deleterious effect; This variant is associated with the following publications: (PMID: 30341550, 19533785, 29168297)

Fulgent Genetics
Classification: Uncertain significance for Malignant tumor of esophagus; Loeys-Dietz syndrome 2; Colorectal cancer, hereditary nonpolyposis, type 6. Last evaluated: 2018-10-31. Review status: criteria provided, single submitter. Criteria: ACMG Guidelines, 2015. Collection method: clinical testing. Allele origin: unknown.

Illumina Laboratory Services, Illumina
Classification: Uncertain significance for Loeys-Dietz syndrome 2. Last evaluated: 2017-04-27. Review status: criteria provided, single submitter. Criteria: ICSL Variant Classification Criteria 13 December 2019. Collection method: clinical testing. Allele origin: germline.

Laboratory for Molecular Medicine, Mass General Brigham Personalized Medicine
Classification: Uncertain significance. Last evaluated: 2016-06-16. Review status: criteria provided, single submitter. Criteria: LMM Criteria. Collection method: clinical testing. Allele origin: germline.
Comment: Variant identified in a genome or exome case(s) and assessed due to predicted null impact of the variant or pathogenic assertions in the literature or databases. Disclaimer: This variant has not undergone full assessment.

Literature cited by the submitters: PubMed 19533785 (cited by 4 submitters); PubMed 29168297 (cited by 4 submitters); PubMed 30341550 (cited by 4 submitters).